The following is an entry in ClinVar:

NM_017617.5(NOTCH1):c.4321C>A (p.Pro1441Thr)

Gene: NOTCH1 (notch receptor 1; minus strand). Cytogenetic location: 9q34.3.
Variant type: single nucleotide variant.
Coding change: c.4321C>A on transcript NM_017617.5 (MANE Select); coding-DNA position 4321, C replaced by A.
Protein change: p.Pro1441Thr; replaces proline 1441 with threonine.
Molecular consequence: missense variant.
Genome position (GRCh38, 1-based): chr9:136,505,575, G>T on the plus strand (C>A on the coding strand, the complement: NOTCH1 is on the minus strand). VCF-style: chr9-136505575-G-T. GRCh37 (hg19) VCF-style: chr9-139400027-G-T.
Other names: short protein forms P1441T.
Identifiers: ClinVar variation 3642160 (VCV003642160.2).

ClinVar aggregate classification (germline): Uncertain significance (1 of 4 stars; one submission).

Conditions:
Adams-Oliver syndrome 5 (AOS5). Identifiers: Orphanet 974, MedGen C4014970, MONDO:0014459, OMIM 616028.

Submission:

Labcorp Genetics (formerly Invitae), Labcorp
Classification: Uncertain significance for Adams-Oliver syndrome 5. Last evaluated: 2024-02-20. Review status: criteria provided, single submitter. Criteria: Invitae Variant Classification Sherloc (09022015). Collection method: clinical testing. Allele origin: germline.
Comment: This sequence change replaces proline, which is neutral and non-polar, with threonine, which is neutral and polar, at codon 1441 of the NOTCH1 protein (p.Pro1441Thr). This variant is not present in population databases (gnomAD no frequency). This variant has not been reported in the literature in individuals affected with NOTCH1-related conditions. Advanced modeling of protein sequence and biophysical properties (such as structural, functional, and spatial information, amino acid conservation, physicochemical variation, residue mobility, and thermodynamic stability) performed at Invitae indicates that this missense variant is not expected to disrupt NOTCH1 protein function with a negative predictive value of 80%. In summary, the available evidence is currently insufficient to determine the role of this variant in disease. Therefore, it has been classified as a Variant of Uncertain Significance.